The following is an entry in ClinVar:

ClinVar aggregate classification (germline): Uncertain significance (1 of 4 stars; one submission).

Conditions:
Hyper-IgE recurrent infection syndrome 1, autosomal dominant. Also called: STAT3 Hyper IgE Syndrome; Hyper-IgE recurrent infection syndrome 1; JOB SYNDROME; Job's Syndrome; HYPER-IgE SYNDROME 1, AUTOSOMAL DOMINANT, WITH RECURRENT INFECTIONS. Identifiers: Orphanet 2314, MedGen C2936739, MONDO:0007818, OMIM 147060.
STAT3 gain of function. Identifiers: MedGen C4288261.

Submission:

Labcorp Genetics (formerly Invitae), Labcorp
Classification: Uncertain significance for STAT3 gain of function; Hyper-IgE recurrent infection syndrome 1, autosomal dominant. Last evaluated: 2025-06-23. Review status: criteria provided, single submitter. Criteria: Invitae Variant Classification Sherloc (09022015). Collection method: clinical testing. Allele origin: germline.
Comment: This sequence change replaces serine, which is neutral and polar, with arginine, which is basic and polar, at codon 614 of the STAT3 protein (p.Ser614Arg). This variant is not present in population databases (gnomAD no frequency). This variant has not been reported in the literature in individuals affected with STAT3-related conditions. ClinVar contains an entry for this variant (Variation ID: 3757664). Invitae Evidence Modeling of protein sequence and biophysical properties (such as structural, functional, and spatial information, amino acid conservation, physicochemical variation, residue mobility, and thermodynamic stability) indicates that this missense variant is not expected to disrupt STAT3 protein function with a negative predictive value of 80%. Experimental studies have shown that this missense change affects STAT3 function (PMID: 25586472). In summary, the available evidence is currently insufficient to determine the role of this variant in disease. Therefore, it has been classified as a Variant of Uncertain Significance.

Literature cited by the submitters: PubMed 25586472.

NM_139276.3(STAT3):c.1842C>A (p.Ser614Arg)

Gene: STAT3 (signal transducer and activator of transcription 3; minus strand). Cytogenetic location: 17q21.2.
Variant type: single nucleotide variant.
Coding change: c.1842C>A on transcript NM_139276.3 (MANE Select); coding-DNA position 1842, C replaced by A.
Protein change: p.Ser614Arg; replaces serine 614 with arginine.
Molecular consequence: missense variant.
Genome position (GRCh38, 1-based): chr17:42,323,050, G>T on the plus strand (C>A on the coding strand, the complement: STAT3 is on the minus strand). VCF-style: chr17-42323050-G-T. GRCh37 (hg19) VCF-style: chr17-40475068-G-T.
Other names: c.1842C>A, p.Ser614Arg (NM_001369512.1, NM_001369513.1, NM_001369514.1 and 9 more transcripts); c.1758C>A, p.Ser586Arg (NM_001384984.1); c.1764C>A, p.Ser588Arg (NM_001384985.1); c.1857C>A, p.Ser619Arg (NM_001384986.1, NM_001384990.1); c.1821C>A, p.Ser607Arg (NM_001384987.1); c.1746C>A, p.Ser582Arg (NM_001384989.1); c.1815C>A, p.Ser605Arg (NM_001384991.1); c.1782C>A, p.Ser594Arg (NM_001384992.1); short protein forms S582R, S586R, S588R, S594R, S605R, S607R, S614R, S619R.
Identifiers: ClinVar variation 3757664 (VCV003757664.2).